The following is an entry in ClinVar:

ClinVar aggregate classification (germline): Uncertain significance. Review status: criteria provided, multiple submitters, no conflicts (2 of 4 stars). 2 submissions from 2 submitters: Uncertain significance (2). Last evaluated 2025-06-13.

Allele frequency attached by ClinVar (database versions not stated): gnomAD 0.00001; gnomAD exomes 0.00004; TOPMed 0.00004.
gnomAD v4.1: 56 of 1,550,190 alleles (0.0036%); highest among the groups gnomAD compares: Non-Finnish European, 0.0044%; no homozygotes.

Submissions (2):

Women's Health and Genetics/Laboratory Corporation of America, LabCorp
Classification: Uncertain significance. Last evaluated: 2025-06-13. Review status: criteria provided, single submitter. Criteria: LabCorp Variant Classification Summary - May 2015. Collection method: clinical testing. Allele origin: germline.
Comment: Variant summary: ZNF469 c.3952G>A (p.Asp1318Asn) results in a conservative amino acid change in the encoded protein sequence. Algorithms developed to predict the effect of missense changes on protein structure and function are either unavailable or do not agree on the potential impact of this missense change. The variant allele was found at a frequency of 1.3e-05 in 151884 control chromosomes. The available data on variant occurrences in the general population are insufficient to allow any conclusion about variant significance. To our knowledge, no occurrence of c.3952G>A in individuals affected with Brittle cornea syndrome 1 and no experimental evidence demonstrating its impact on protein function have been reported. ClinVar contains an entry for this variant (Variation ID: 2415392). Based on the evidence outlined above, the variant was classified as uncertain significance.

Labcorp Genetics (formerly Invitae), Labcorp
Classification: Uncertain significance. Last evaluated: 2022-07-05. Review status: criteria provided, single submitter. Criteria: Invitae Variant Classification Sherloc (09022015). Collection method: clinical testing. Allele origin: germline.
Comment: This sequence change replaces aspartic acid, which is acidic and polar, with asparagine, which is neutral and polar, at codon 1290 of the ZNF469 protein (p.Asp1290Asn). This variant is present in population databases (no rsID available, gnomAD 0.004%). This variant has not been reported in the literature in individuals affected with ZNF469-related conditions. Algorithms developed to predict the effect of missense changes on protein structure and function (SIFT, PolyPhen-2, Align-GVGD) all suggest that this variant is likely to be tolerated. In summary, the available evidence is currently insufficient to determine the role of this variant in disease. Therefore, it has been classified as a Variant of Uncertain Significance.

NM_001367624.2(ZNF469):c.3952G>A (p.Asp1318Asn)

Gene: ZNF469 (zinc finger protein 469; plus strand). Cytogenetic location: 16q24.2.
Variant type: single nucleotide variant.
Coding change: c.3952G>A on transcript NM_001367624.2 (MANE Select); coding-DNA position 3952, G replaced by A.
Protein change: p.Asp1318Asn; replaces aspartic acid 1318 with asparagine.
Molecular consequence: missense variant.
Genome position (GRCh38, 1-based): chr16:88,431,422, G>A. VCF-style: chr16-88431422-G-A. GRCh37 (hg19) VCF-style: chr16-88497830-G-A.
Other names: short protein forms D1318N.
Identifiers: ClinVar variation 2415392 (VCV002415392.4), dbSNP rs1057336039, ClinGen allele CA286375440.